The following is an entry in ClinVar:

NM_001330260.2(SCN8A):c.3230A>G (p.Tyr1077Cys)

Gene: SCN8A (sodium voltage-gated channel alpha subunit 8; plus strand). Cytogenetic location: 12q13.13.
Variant type: single nucleotide variant.
Coding change: c.3230A>G on transcript NM_001330260.2 (MANE Select); coding-DNA position 3230, A replaced by G.
Protein change: p.Tyr1077Cys; replaces tyrosine 1077 with cysteine.
Molecular consequence: missense variant.
Genome position (GRCh38, 1-based): chr12:51,769,193, A>G. VCF-style: chr12-51769193-A-G. GRCh37 (hg19) VCF-style: chr12-52162977-A-G.
Other names: c.3230A>G, p.Tyr1077Cys (NM_001177984.3, NM_001369788.1, NM_014191.4); short protein forms Y1077C.
Identifiers: ClinVar variation 579407 (VCV000579407.9), dbSNP rs746302474, ClinGen allele CA6571562.

ClinVar aggregate classification (germline): Uncertain significance (1 of 4 stars; one submission).

Conditions:
Early-infantile DEE. Also called: Early infantile epileptic encephalopathy with suppression bursts; Early infantile epileptic encephalopathy; Ohtahara syndrome. Identifiers: Orphanet 1934, MedGen C0393706, MONDO:0800491.

Allele frequency attached by ClinVar (database versions not stated): gnomAD exomes below 0.00001 and 0.00001; TOPMed below 0.00001; gnomAD 0.00001; ExAC 0.00002.
gnomAD v4.1: 4 of 1,613,836 alleles (0.00025%); highest among the groups gnomAD compares: African/African-American, 0.0013%; no homozygotes.

Submission:

Labcorp Genetics (formerly Invitae), Labcorp
Classification: Uncertain significance for Early-infantile DEE. Last evaluated: 2018-03-21. Review status: criteria provided, single submitter. Criteria: Invitae Variant Classification Sherloc (09022015). Collection method: clinical testing. Allele origin: germline.
Comment: This sequence change replaces tyrosine with cysteine at codon 1077 of the SCN8A protein (p.Tyr1077Cys). The tyrosine residue is highly conserved and there is a large physicochemical difference between tyrosine and cysteine. In summary, the available evidence is currently insufficient to determine the role of this variant in disease. Therefore, it has been classified as a Variant of Uncertain Significance. Algorithms developed to predict the effect of missense changes on protein structure and function do not agree on the potential impact of this missense change (SIFT: "Deleterious"; PolyPhen-2: "Benign"; Align-GVGD: "Class C0"). This variant has not been reported in the literature in individuals with SCN8A-related disease. This variant is present in population databases (rs746302474, ExAC 0.003%).